The following is an entry in ClinVar:

ClinVar aggregate classification (germline): Uncertain significance. Review status: criteria provided, multiple submitters, no conflicts (2 of 4 stars). 2 submissions from 2 submitters: Uncertain significance (2). Last evaluated 2024-11-15.

Conditions:
Hereditary cancer-predisposing syndrome. Also called: Hereditary neoplastic syndrome; Neoplastic Syndromes, Hereditary; Tumor predisposition; Hereditary Cancer Syndrome. Identifiers: Orphanet 140162, MedGen C0027672, MeSH D009386, MONDO:0015356.
Oligodontia-cancer predisposition syndrome. Also called: TOOTH AGENESIS-COLORECTAL CANCER SYNDROME. Identifiers: Orphanet 300576, MedGen C1837750, MONDO:0012075, OMIM 608615. Disease mechanism: loss of function.

Allele frequency attached by ClinVar (database versions not stated): gnomAD exomes below 0.00001; gnomAD 0.00001.
gnomAD v4.1: 2 of 1,613,024 alleles (0.00012%); highest among the groups gnomAD compares: East Asian, 0.0022%; no homozygotes.

Submissions (2):

Ambry Genetics
Classification: Uncertain significance for Hereditary cancer-predisposing syndrome. Last evaluated: 2024-11-15. Review status: criteria provided, single submitter. Criteria: Ambry Variant Classification Scheme 2023. Collection method: clinical testing. Allele origin: germline.
Comment: The p.P22L variant (also known as c.65C>T), located in coding exon 1 of the AXIN2 gene, results from a C to T substitution at nucleotide position 65. The proline at codon 22 is replaced by leucine, an amino acid with similar properties. This amino acid position is conserved. In addition, the in silico prediction for this alteration is inconclusive. Since supporting evidence is limited at this time, the clinical significance of this alteration remains unclear.

Labcorp Genetics (formerly Invitae), Labcorp
Classification: Uncertain significance for Oligodontia-cancer predisposition syndrome. Last evaluated: 2024-09-18. Review status: criteria provided, single submitter. Criteria: Invitae Variant Classification Sherloc (09022015). Collection method: clinical testing. Allele origin: germline.
Comment: This sequence change replaces proline, which is neutral and non-polar, with leucine, which is neutral and non-polar, at codon 22 of the AXIN2 protein (p.Pro22Leu). This variant is present in population databases (no rsID available, gnomAD 0.06%). This variant has not been reported in the literature in individuals affected with AXIN2-related conditions. ClinVar contains an entry for this variant (Variation ID: 533204). Invitae Evidence Modeling of protein sequence and biophysical properties (such as structural, functional, and spatial information, amino acid conservation, physicochemical variation, residue mobility, and thermodynamic stability) indicates that this missense variant is expected to disrupt AXIN2 protein function with a positive predictive value of 80%. In summary, the available evidence is currently insufficient to determine the role of this variant in disease. Therefore, it has been classified as a Variant of Uncertain Significance.

NM_004655.4(AXIN2):c.65C>T (p.Pro22Leu)

Gene: AXIN2 (axin 2; minus strand). Cytogenetic location: 17q24.1.
Variant type: single nucleotide variant.
Coding change: c.65C>T on transcript NM_004655.4 (MANE Select); coding-DNA position 65, C replaced by T.
Protein change: p.Pro22Leu; replaces proline 22 with leucine.
Molecular consequence: missense variant.
Genome position (GRCh38, 1-based): chr17:65,558,556, G>A on the plus strand (C>T on the coding strand, the complement: AXIN2 is on the minus strand). VCF-style: chr17-65558556-G-A. GRCh37 (hg19) VCF-style: chr17-63554674-G-A.
Other names: c.65C>T, p.Pro22Leu (NM_001363813.1); c.65C>T (LRG_296t1); short protein forms P22L.
Identifiers: ClinVar variation 533204 (VCV000533204.12), dbSNP rs1343964499, ClinGen allele CA400682303.
Genomic context (GRCh38, chr17:65,558,556, plus strand): 5'-TTGCCCACCCCTGGCTGACACGGTGGGGTCTCCCCTTCTTCCCCTGGCACTGGGGGCCGC[G>A]GGGCATCCTCACGGAAGCTGCTGCTGGGGTCCGGGAGGCAAGTCACCAACATAGCGCTAC-3'
Protein context (NP_004646.3, residues 12-32): DPSSSFREDA[Pro22Leu]RPPVPGEEGE